The following is an entry in ClinVar:

ClinVar aggregate classification (germline): Conflicting classifications of pathogenicity. Review status: criteria provided, conflicting classifications (1 of 4 stars). 5 submissions from 5 submitters: Uncertain significance (1); Benign (1); Likely benign (2). 1 of the submissions does not count toward it. Last evaluated 2026-01-24.

Conditions:
CIITA-related disorder. Also called: CIITA-related condition.
Inborn genetic diseases. Identifiers: MedGen C0950123, MeSH D030342.
MHC class II deficiency. Also called: Bare lymphocyte syndrome 2; BLS, TYPE II. Identifiers: Orphanet 572, MedGen C5447452, MONDO:0008855.

Allele frequency attached by ClinVar (database versions not stated): gnomAD below 0.00001; TOPMed 0.00003; 1000 Genomes Project 30x 0.00109; 1000 Genomes Project 0.00120.
gnomAD v4.1: 301 of 1,614,188 alleles (0.019%); highest among the groups gnomAD compares: South Asian, 0.31%; 2 homozygotes.

Submissions (5):

Labcorp Genetics (formerly Invitae), Labcorp
Classification: Benign for MHC class II deficiency. Last evaluated: 2026-01-24. Review status: criteria provided, single submitter. Criteria: Invitae Variant Classification Sherloc (09022015). Collection method: clinical testing. Allele origin: germline.

PreventionGenetics, part of Exact Sciences
Classification: Likely benign for CIITA-related condition. Last evaluated: 2025-11-17. Review status: criteria provided, single submitter. Criteria: ACMG Guidelines, 2015. Collection method: clinical testing. Allele origin: germline.
Comment: This variant is classified as likely benign based on ACMG/AMP sequence variant interpretation guidelines (Richards et al. 2015 PMID: 25741868, with internal and published modifications).

Ambry Genetics
Classification: Uncertain significance for Inborn genetic diseases. Last evaluated: 2025-02-25. Review status: criteria provided, single submitter. Criteria: Ambry Variant Classification Scheme 2023. Collection method: clinical testing. Allele origin: germline.

Illumina Laboratory Services, Illumina
Classification: Likely benign for MHC class II deficiency 1. Last evaluated: 2018-01-13. Review status: criteria provided, single submitter. Criteria: ICSL Variant Classification Criteria 13 December 2019. Collection method: clinical testing. Allele origin: germline.
Comment: This variant was observed in the ICSL laboratory as part of a predisposition screen in an ostensibly healthy population. It had not been previously curated by ICSL or reported in the Human Gene Mutation Database (HGMD: prior to June 1st, 2018), and was therefore a candidate for classification through an automated scoring system. Utilizing variant allele frequency, disease prevalence and penetrance estimates, and inheritance mode, an automated score was calculated to assess if this variant is too frequent to cause the disease. Based on the score and internal cut-off values, a variant classified as likely benign is not then subjected to further curation. The score for this variant resulted in a classification of likely benign for this disease.

Natera, Inc.
Classification: Likely benign for Bare lymphocyte syndrome type II. Last evaluated: 2020-01-13. Review status: no assertion criteria provided. Collection method: clinical testing. Allele origin: germline. Not counted in ClinVar's aggregate classification.

NM_000246.4(CIITA):c.2179G>C (p.Glu727Gln)

Gene: CIITA (class II major histocompatibility complex transactivator; plus strand). Cytogenetic location: 16p13.13.
Variant type: single nucleotide variant.
Coding change: c.2179G>C on transcript NM_000246.4 (MANE Select); coding-DNA position 2179, G replaced by C.
Protein change: p.Glu727Gln; replaces glutamic acid 727 with glutamine.
Molecular consequence: missense variant. On other transcripts: intron variant (1).
Genome position (GRCh38, 1-based): chr16:10,907,671, G>C. VCF-style: chr16-10907671-G-C. GRCh37 (hg19) VCF-style: chr16-11001528-G-C.
Other names: c.2182G>C, p.Glu728Gln (NM_001286402.1, NM_001379332.1); c.2035G>C, p.Glu679Gln (NM_001379330.1); c.2032G>C, p.Glu678Gln (NM_001379331.1); c.2179G>C, p.Glu727Gln (NM_001379333.1); c.2110G>C, p.Glu704Gln (NM_001379334.1); c.860-1312G>C (NM_001286403.2); short protein forms E727Q, E728Q, E678Q, E679Q, E704Q.
Identifiers: ClinVar variation 722209 (VCV000722209.17), dbSNP rs548646642, ClinGen allele CA7900314.
Genomic context (GRCh38, chr16:10,907,671, plus strand): 5'-GCCTTCCCCAGCTTCCTCCTGCAATGCTTCCTGGGGGCCCTGTGGCTGGCTCTGAGTGGC[G>C]AAATCAAGGACAAGGAGCTCCCGCAGTACCTAGCATTGACCCCAAGGAAGAAGAGGCCCT-3'
Protein context (NP_000237.2, residues 717-737): LGALWLALSG[Glu727Gln]IKDKELPQYL